The following is an entry in ClinVar:

NC_000007.13:g.(?_26386063)_(26404785_?)dup

Gene: SNX10 (sorting nexin 10; plus strand). Cytogenetic location: 7p15.2.
Variant type: Duplication.
Identifiers: ClinVar variation 1410331 (VCV001410331.4).

ClinVar aggregate classification (germline): Uncertain significance (1 of 4 stars; one submission).

Submission:

Labcorp Genetics (formerly Invitae), Labcorp
Classification: Uncertain significance. Last evaluated: 2022-07-25. Review status: criteria provided, single submitter. Criteria: Invitae Variant Classification Sherloc (09022015). Collection method: clinical testing. Allele origin: germline.
Comment: This variant results in a copy number gain of the genomic region encompassing exon(s) 2-5 of the SNX10 gene. This region includes the initiator codon of the gene. This copy number gain extends beyond the assayed region for this gene and therefore may encompass additional genes. As the precise location of this event is unknown, it may be in tandem or it may be located elsewhere in the genome. This variant has not been reported in the literature in individuals affected with SNX10-related conditions. In summary, the available evidence is currently insufficient to determine the role of this variant in disease. Therefore, it has been classified as a Variant of Uncertain Significance.